The following is an entry in ClinVar:

ClinVar aggregate classification (germline): Uncertain significance (1 of 4 stars; one submission).

Submission:

GeneDx
Classification: Uncertain significance. Last evaluated: 2025-06-02. Review status: criteria provided, single submitter. Criteria: GeneDx Variant Classification Process June 2021. Collection method: clinical testing. Allele origin: germline. Affected: yes.
Comment: Not observed at significant frequency in large population cohorts (gnomAD); Canonical splice site variant with an unclear effect on protein function; Has not been previously published as pathogenic or benign to our knowledge

NM_005444.3(CNOT9):c.541-1G>T

Gene: CNOT9 (CCR4-NOT transcription complex subunit 9; plus strand). Cytogenetic location: 2q35.
Variant type: single nucleotide variant.
Coding change: c.541-1G>T on transcript NM_005444.3 (MANE Select); the canonical splice acceptor site of the intron before coding-DNA position 541, G replaced by T.
Molecular consequence: splice acceptor variant.
Genome position (GRCh38, 1-based): chr2:218,592,303, G>T. VCF-style: chr2-218592303-G-T. GRCh37 (hg19) VCF-style: chr2-219457026-G-T.
Other names: c.637-1G>T (NM_001271634.2); c.541-1G>T (NM_001271635.2).
Identifiers: ClinVar variation 4536303 (VCV004536303.1).
Genomic context (GRCh38, chr2:218,592,303, plus strand): 5'-AGAAAATGAGAAGATTAAATCTGAGCAACTTTATAAACTCTTCGATTTTGTTTTGCTTCA[G>T]GTTGCCACATTCATCCTCCAGAAGATCTTGTTAGATGACACTGGTTTGGCTTATATATGT-3'